The following is an entry in ClinVar:

ClinVar aggregate classification (germline): Likely pathogenic (1 of 4 stars; one submission).

Conditions:
Deficiency of alpha-mannosidase (MANSA). Also called: Mannosidosis, alpha-, types I and II; LYSOSOMAL ALPHA-D-MANNOSIDASE DEFICIENCY; Alpha-Mannosidosis. Identifiers: Orphanet 61, MedGen C0024748, MONDO:0009561, OMIM 248500.

Submission:

Natera, Inc.
Classification: Likely pathogenic for Alpha-mannosidosis. Last evaluated: 2025-01-17. Review status: criteria provided, single submitter. Criteria: Natera Variant Classification Schema (03/2026). Collection method: clinical testing. Allele origin: germline.
Comment: The c.2455A>T variant in MAN2B1 is a nonsense variant predicted to introduce a stop codon at amino acid 819. This variant is expected to result in nonsense mediated decay, truncation, or a dysfunctional protein product. This variant is rare in the general population with a frequency below the threshold expected for the associated phenotype(s). Given the available evidence, this variant is classified as Likely Pathogenic.

NM_000528.4(MAN2B1):c.2455A>T (p.Lys819Ter)

Gene: MAN2B1 (mannosidase alpha class 2B member 1; minus strand). Cytogenetic location: 19p13.13.
Variant type: single nucleotide variant.
Coding change: c.2455A>T on transcript NM_000528.4 (MANE Select); coding-DNA position 2455, A replaced by T.
Protein change: p.Lys819Ter; replaces lysine 819 with a stop codon.
Molecular consequence: nonsense.
Genome position (GRCh38, 1-based): chr19:12,648,384, T>A on the plus strand (A>T on the coding strand, the complement: MAN2B1 is on the minus strand). VCF-style: chr19-12648384-T-A. GRCh37 (hg19) VCF-style: chr19-12759198-T-A.
Other names: c.2452A>T, p.Lys818Ter (NM_001173498.2); short protein forms K818*, K819*.
Identifiers: ClinVar variation 4057470 (VCV004057470.2).